The following is an entry in ClinVar:

NM_000593.6(TAP1):c.805C>G (p.Leu269Val)

Gene: TAP1 (transporter 1, ATP binding cassette subfamily B member; minus strand). Cytogenetic location: 6p21.32.
Variant type: single nucleotide variant.
Coding change: c.805C>G on transcript NM_000593.6 (MANE Select); coding-DNA position 805, C replaced by G.
Protein change: p.Leu269Val; replaces leucine 269 with valine.
Molecular consequence: missense variant.
Genome position (GRCh38, 1-based): chr6:32,852,148, G>C on the plus strand (C>G on the coding strand, the complement: TAP1 is on the minus strand). VCF-style: chr6-32852148-G-C. GRCh37 (hg19) VCF-style: chr6-32819925-G-C.
Other names: c.202C>G, p.Leu68Val (NM_001292022.2); short protein forms L269V, L68V.
Identifiers: ClinVar variation 1061505 (VCV001061505.7), dbSNP rs758910263, ClinGen allele CA363580477.
Genomic context (GRCh38, chr6:32,852,148, plus strand): 5'-TGAAAGAGTTTCAGGAGAAACCTGTCTGGTTCTGTTGGAAAAACTCCGTCTCCTGGCGCA[G>C]GACAGCCCCAAACACCTCTCCCTGCAAGTGGCTGTGCACGTGGCCCATGGTGTTGTTATA-3'
Protein context (NP_000584.3, residues 259-279): HLQGEVFGAV[Leu269Val]RQETEFFQQN

ClinVar aggregate classification (germline): Uncertain significance (1 of 4 stars; one submission).

Conditions:
MHC class I deficiency. Identifiers: Orphanet 34592, MedGen C6024714, MONDO:0011476.

Submission:

Labcorp Genetics (formerly Invitae), Labcorp
Classification: Uncertain significance for MHC class I deficiency 1. Last evaluated: 2022-02-09. Review status: criteria provided, single submitter. Criteria: Invitae Variant Classification Sherloc (09022015). Collection method: clinical testing. Allele origin: germline.
Comment: Algorithms developed to predict the effect of missense changes on protein structure and function are either unavailable or do not agree on the potential impact of this missense change (SIFT: "Deleterious"; PolyPhen-2: "Possibly Damaging"; Align-GVGD: "Class C0"). In summary, the available evidence is currently insufficient to determine the role of this variant in disease. Therefore, it has been classified as a Variant of Uncertain Significance. ClinVar contains an entry for this variant (Variation ID: 1061505). This variant has not been reported in the literature in individuals affected with TAP1-related conditions. This variant is not present in population databases (gnomAD no frequency). This sequence change replaces leucine, which is neutral and non-polar, with valine, which is neutral and non-polar, at codon 329 of the TAP1 protein (p.Leu329Val).